The following is an entry in ClinVar:

ClinVar aggregate classification (germline): Uncertain significance (1 of 4 stars; one submission).

Submission:

Labcorp Genetics (formerly Invitae), Labcorp
Classification: Uncertain significance. Last evaluated: 2023-10-23. Review status: criteria provided, single submitter. Criteria: Invitae Variant Classification Sherloc (09022015). Collection method: clinical testing. Allele origin: germline.
Comment: This sequence change replaces cysteine, which is neutral and slightly polar, with arginine, which is basic and polar, at codon 35 of the NYX protein (p.Cys35Arg). The frequency data for this variant in the population databases is considered unreliable, as metrics indicate insufficient coverage at this position in the gnomAD database. This variant has not been reported in the literature in individuals affected with NYX-related conditions. Advanced modeling of protein sequence and biophysical properties (such as structural, functional, and spatial information, amino acid conservation, physicochemical variation, residue mobility, and thermodynamic stability) performed at Invitae indicates that this missense variant is expected to disrupt NYX protein function with a positive predictive value of 80%. In summary, the available evidence is currently insufficient to determine the role of this variant in disease. Therefore, it has been classified as a Variant of Uncertain Significance.

NM_001378477.3(NYX):c.88T>C (p.Cys30Arg)

Gene: NYX (nyctalopin; plus strand). Cytogenetic location: Xp11.4.
Variant type: single nucleotide variant.
Coding change: c.88T>C on transcript NM_001378477.3 (MANE Select); coding-DNA position 88, T replaced by C.
Protein change: p.Cys30Arg; replaces cysteine 30 with arginine.
Molecular consequence: missense variant.
Genome position (GRCh38, 1-based): chrX:41,473,556, T>C. VCF-style: chrX-41473556-T-C. GRCh37 (hg19) VCF-style: chrX-41332809-T-C.
Other names: c.88T>C, p.Cys30Arg (NM_022567.3); short protein forms C30R.
Identifiers: ClinVar variation 2771394 (VCV002771394.3), dbSNP rs1292184180, ClinGen allele CA412989375.